The following is an entry in ClinVar:

ClinVar aggregate classification (germline): Pathogenic (1 of 4 stars; one submission).

Conditions:
Hereditary breast ovarian cancer syndrome. Also called: Hereditary breast and ovarian cancer; Breast and ovarian cancer; BRCA1- and BRCA2-Associated Hereditary Breast and Ovarian Cancer; Hereditary breast and/or ovarian cancer syndrome; Hereditary breast and ovarian cancer syndrome; Hereditary breast and ovarian cancer syndrome (HBOC). Identifiers: Orphanet 145, MedGen C0677776, MeSH D061325, MONDO:0003582. Disease mechanism: loss of function.

Submission:

Labcorp Genetics (formerly Invitae), Labcorp
Classification: Pathogenic for Hereditary breast ovarian cancer syndrome. Last evaluated: 2023-07-06. Review status: criteria provided, single submitter. Criteria: Invitae Variant Classification Sherloc (09022015). Collection method: clinical testing. Allele origin: germline.
Comment: This variant has not been reported in the literature in individuals affected with BRCA2-related conditions. For these reasons, this variant has been classified as Pathogenic. Retrotransposon insertions including LINE1 (L1), Alu, and SVA (SINE-VNTR-Alu) have been reported to be disease-causing through disruption of either a coding region or splice site (PMID: 19763152, 20307669, 22406018) and loss-of-function variants in BRCA2 are known to be pathogenic (PMID: 20104584). This variant is not present in population databases (gnomAD no frequency). This sequence change inserts a large fragment of DNA, likely a transposable element, in exon 22 of the BRCA2 gene (c.8829_8830ins?), causing a frameshift at codon 2944 (p.Ile2944fs). The exact size and sequence of the insertion cannot be determined by the current assay. However, the insertion is expected to result in an absent or disrupted protein product.

Literature cited by the submitters: PubMed 19763152; PubMed 20307669; PubMed 22406018; PubMed 20104584.

NM_000059.4(BRCA2):c.8829_8830insGGGCCGGGCGCGGTGGCTCACGCTTGTAATCCCAGCACTTTGGGAGGCCGAGGTGGGCGGATCACGAGGTCAGGAGATCGAGACCATCCTGGCTAACACGGTGAAACNNNNNNNNNNAAAAAAAAAAAAAAAAAAAAAAGAAACAAGCTCAG (p.Ile2944delinsGlyProGlyAlaValAlaHisAlaCysAsnProSerThrLeuGlyGlyArgGlyGlyArgIleThrArgSerGlyAspArgAspHisProGlyTer)

Gene: BRCA2 (BRCA2 DNA repair associated; plus strand). Cytogenetic location: 13q13.1.
Variant type: Insertion.
Coding change: c.8829_8830insGGGCCGGGCGCGGTGGCTCACGCTTGTAATCCCAGCACTTTGGGAGGCCGAGGTGGGCGGATCACGAGGTCAGGAGATCGAGACCATCCTGGCTAACACGGTGAAACNNNNNNNNNNAAAAAAAAAAAAAAAAAAAAAAGAAACAAGCTCAG on transcript NM_000059.4 (MANE Select); coding-DNA positions 8829 to 8830, GGGCCGGGCGCGGTGGCTCACGCTTGTAATCCCAGCACTTTGGGAGGCCGAGGTGGGCGGATCACGAGGTCAGGAGATCGAGACCATCCTGGCTAACACGGTGAAACNNNNNNNNNNAAAAAAAAAAAAAAAAAAAAAAGAAACAAGCTCAG inserted.
Protein change: p.Ile2944delinsGlyProGlyAlaValAlaHisAlaCysAsnProSerThrLeuGlyGlyArgGlyGlyArgIleThrArgSerGlyAspArgAspHisProGlyTer.
Molecular consequence: nonsense.
Genome position: GRCh38: chr13:32,379,391-32,379,392. GRCh37 (hg19): chr13:32,953,528-32,953,529.
Identifiers: ClinVar variation 1458270 (VCV001458270.6), dbSNP rs2137619466.